The following is an entry in ClinVar:

ClinVar aggregate classification (germline): Benign/Likely benign. Review status: criteria provided, multiple submitters, no conflicts (2 of 4 stars). 5 submissions from 5 submitters: Benign (1); Likely benign (4). Last evaluated 2026-07-01.

Conditions:
SUOX-related disorder. Also called: SUOX-related condition.
Sulfite oxidase deficiency. Also called: Isolated sulfite oxidase deficiency. Identifiers: Orphanet 833, Orphanet 99731, MedGen C0268624, MONDO:0010089, OMIM 272300, HP:0003643.

Allele frequency attached by ClinVar (database versions not stated): gnomAD exomes 0.00020 and 0.00048; gnomAD 0.00027 and 0.00043; ExAC 0.00045; 1000 Genomes Project 30x 0.00219; 1000 Genomes Project 0.00240.

Submissions (5):

CeGaT Center for Human Genetics Tuebingen
Classification: Likely benign. Last evaluated: 2026-07-01. Review status: criteria provided, single submitter. Criteria: CeGaT Center For Human Genetics Tuebingen Variant Classification Criteria Version 2. Collection method: clinical testing. Allele origin: germline. Affected: yes. Observed: 1 variant allele.
Comment: SUOX: BP4, BP7

Labcorp Genetics (formerly Invitae), Labcorp
Classification: Benign for Sulfite oxidase deficiency. Last evaluated: 2026-02-03. Review status: criteria provided, single submitter. Criteria: Invitae Variant Classification Sherloc (09022015). Collection method: clinical testing. Allele origin: germline.

PreventionGenetics, part of Exact Sciences
Classification: Likely benign for SUOX-related condition. Last evaluated: 2025-03-13. Review status: criteria provided, single submitter. Criteria: ACMG Guidelines, 2015. Collection method: clinical testing. Allele origin: germline.
Comment: This variant is classified as likely benign based on ACMG/AMP sequence variant interpretation guidelines (Richards et al. 2015 PMID: 25741868, with internal and published modifications).

Blueprint Genetics
Classification: Likely benign. Last evaluated: 2024-11-26. Review status: criteria provided, single submitter. Criteria: ACMG Guidelines, 2015. Collection method: clinical testing. Allele origin: germline.

Illumina Laboratory Services, Illumina
Classification: Likely benign for Sulfite oxidase deficiency. Last evaluated: 2018-01-13. Review status: criteria provided, single submitter. Criteria: ICSL Variant Classification Criteria 13 December 2019. Collection method: clinical testing. Allele origin: germline.
Comment: This variant was observed in the ICSL laboratory as part of a predisposition screen in an ostensibly healthy population. It had not been previously curated by ICSL or reported in the Human Gene Mutation Database (HGMD: prior to June 1st, 2018), and was therefore a candidate for classification through an automated scoring system. Utilizing variant allele frequency, disease prevalence and penetrance estimates, and inheritance mode, an automated score was calculated to assess if this variant is too frequent to cause the disease. Based on the score and internal cut-off values, a variant classified as likely benign is not then subjected to further curation. The score for this variant resulted in a classification of likely benign for this disease.

NM_001032386.2(SUOX):c.1050T>C (p.Tyr350=)

Gene: SUOX (sulfite oxidase; plus strand). Cytogenetic location: 12q13.2.
Variant type: single nucleotide variant.
Coding change: c.1050T>C on transcript NM_001032386.2 (MANE Select); coding-DNA position 1050, T replaced by C.
Protein change: p.Tyr350=; no amino-acid change (tyrosine 350 retained).
Molecular consequence: synonymous variant.
Genome position (GRCh38, 1-based): chr12:56,004,439, T>C. VCF-style: chr12-56004439-T-C. GRCh37 (hg19) VCF-style: chr12-56398223-T-C.
Other names: c.1050T>C, p.Tyr350= (NM_000456.3, NM_001032387.2).
Identifiers: ClinVar variation 309840 (VCV000309840.21), dbSNP rs184819190, ClinGen allele CA6621087.